The following is an entry in ClinVar:

ClinVar aggregate classification (germline): Uncertain significance (1 of 4 stars; one submission).

Allele frequency attached by ClinVar (database versions not stated): gnomAD exomes 0.00004; ExAC 0.00019; gnomAD 0.00002 and 0.00003.
gnomAD v4.1: 32 of 700,118 alleles (0.0046%); highest among the groups gnomAD compares: South Asian, 0.034%; no homozygotes.

Submission:

Labcorp Genetics (formerly Invitae), Labcorp
Classification: Uncertain significance. Last evaluated: 2024-10-07. Review status: criteria provided, single submitter. Criteria: Invitae Variant Classification Sherloc (09022015). Collection method: clinical testing. Allele origin: germline.
Comment: This variant occurs in the RNU4ATAC gene, which encodes an RNA molecule that does not result in a protein product. This variant is present in population databases (rs759252092, gnomAD 0.01%). This variant has not been reported in the literature in individuals affected with RNU4ATAC-related conditions. ClinVar contains an entry for this variant (Variation ID: 1401963). Experimental studies and prediction algorithms are not available or were not evaluated, and the functional significance of this variant is currently unknown. In summary, the available evidence is currently insufficient to determine the role of this variant in disease. Therefore, it has been classified as a Variant of Uncertain Significance.

NC_000002.12:g.121530991G>A

Genes: CLASP1 (cytoplasmic linker associated protein 1; minus strand), CLASP1-AS1 (CLASP1 antisense RNA 1; plus strand), RNU4ATAC (RNA, U4atac small nuclear; plus strand). Cytogenetic location: 2q14.2.
Variant type: single nucleotide variant.
Molecular consequence: intron variant (on NM_001395891.1).
Genome position: GRCh38 VCF-style: chr2-121530991-G-A. GRCh37 (hg19) VCF-style: chr2-122288567-G-A.
Other names: c.196-666C>T (NM_001142274.2, NM_015282.3, NM_001378003.1 and 5 more transcripts).
Identifiers: ClinVar variation 1401963 (VCV001401963.5), dbSNP rs759252092, ClinGen allele CA1854746.